The following is an entry in ClinVar:

ClinVar aggregate classification (germline): Uncertain significance (1 of 4 stars; one submission).

Conditions:
Perlman syndrome (PRLMNS). Identifiers: Orphanet 2849, MedGen C0796113, MONDO:0009965, OMIM 267000.

Submission:

Labcorp Genetics (formerly Invitae), Labcorp
Classification: Uncertain significance for Perlman syndrome. Last evaluated: 2020-07-24. Review status: criteria provided, single submitter. Criteria: Invitae Variant Classification Sherloc (09022015). Collection method: clinical testing. Allele origin: germline.
Comment: In summary, the available evidence is currently insufficient to determine the role of this variant in disease. Therefore, it has been classified as a Variant of Uncertain Significance. Experimental studies and prediction algorithms are not available or were not evaluated, and the functional significance of this variant is currently unknown. This variant has not been reported in the literature in individuals with DIS3L2-related conditions. This variant is not present in population databases (ExAC no frequency). This sequence change results in a premature translational stop signal in the DIS3L2 gene (p.His865Glyfs*6). While this is not anticipated to result in nonsense mediated decay, it is expected to disrupt the last 21 amino acids of the DIS3L2 protein.

NM_152383.5(DIS3L2):c.2588_2591dup (p.His865fs)

Gene: DIS3L2 (DIS3 like 3'-5' exoribonuclease 2; plus strand). Cytogenetic location: 2q37.1.
Variant type: Duplication.
Coding change: c.2588_2591dup on transcript NM_152383.5 (MANE Select); coding-DNA positions 2588 to 2591, 4 bases duplicated (AGGG; older notation c.2588_2591dupAGGG).
Protein change: p.His865fs; shifts the reading frame from histidine 865.
Molecular consequence: frameshift variant. On other transcripts: non-coding transcript variant (2), intron variant (1).
Genome position (GRCh38, 1-based): chr2:232,336,560-232,336,563, AGGG duplicated. VCF-style (leftmost placement, unchanged base first): chr2-232336559-C-CAGGG. GRCh37 (hg19) VCF-style: chr2-233201269-C-CAGGG.
Other names: c.1582-6785_1582-6782dup (NM_001257281.2); short protein forms H865fs.
Identifiers: ClinVar variation 956691 (VCV000956691.7), dbSNP rs1695956888, ClinGen allele CA1139657781.